The following is an entry in ClinVar:

NM_001353921.2(ARHGEF9):c.72G>A (p.Trp24Ter)

Gene: ARHGEF9 (Cdc42 guanine nucleotide exchange factor 9; minus strand). Cytogenetic location: Xq11.1.
Variant type: single nucleotide variant.
Coding change: c.72G>A on transcript NM_001353921.2 (MANE Select); coding-DNA position 72, G replaced by A.
Protein change: p.Trp24Ter; replaces tryptophan 24 with a stop codon.
Molecular consequence: nonsense. On other transcripts: 5 prime UTR variant (13), intron variant (6).
Genome position (GRCh38, 1-based): chrX:63,724,670, C>T on the plus strand (G>A on the coding strand, the complement: ARHGEF9 is on the minus strand). VCF-style: chrX-63724670-C-T. GRCh37 (hg19) VCF-style: chrX-62944550-C-T.
Other names: c.51G>A, p.Trp17Ter (NM_001369032.1, NM_015185.3, NM_001353928.2 and 2 more transcripts); c.-13G>A (NM_001369033.1, NM_001369034.1, NM_001369035.1 and 8 more transcripts); c.-392G>A (NM_001369042.1); c.-632G>A (NM_001369045.1); c.31-18221G>A (NM_001173479.2); c.10-18221G>A (NM_001369040.1, NM_001369039.1, NM_001353926.2 and 1 more transcripts); c.-117-18221G>A (NM_001173480.2); c.72G>A, p.Trp24Ter (NM_001353922.2); and 1 more; short protein forms W17*, W24*, W30*.
Identifiers: ClinVar variation 2499141 (VCV002499141.28), dbSNP rs2520032988, ClinGen allele CA413404430.

ClinVar aggregate classification (germline): Likely pathogenic (1 of 4 stars; one submission).

Submission:

CeGaT Center for Human Genetics Tuebingen
Classification: Likely pathogenic. Last evaluated: 2022-09-01. Review status: criteria provided, single submitter. Criteria: CeGaT Center For Human Genetics Tuebingen Variant Classification Criteria Version 2. Collection method: clinical testing. Allele origin: germline. Affected: yes. Observed: 1 variant allele.
Comment: ARHGEF9: PVS1:Strong, PM2